The following is an entry in ClinVar:

NM_001277115.2(DNAH11):c.2452G>C (p.Ala818Pro)

Gene: DNAH11 (dynein axonemal heavy chain 11; plus strand). Cytogenetic location: 7p15.3.
Variant type: single nucleotide variant.
Coding change: c.2452G>C on transcript NM_001277115.2 (MANE Select); coding-DNA position 2452, G replaced by C.
Protein change: p.Ala818Pro; replaces alanine 818 with proline.
Molecular consequence: missense variant.
Genome position (GRCh38, 1-based): chr7:21,591,362, G>C. VCF-style: chr7-21591362-G-C. GRCh37 (hg19) VCF-style: chr7-21630980-G-C.
Other names: short protein forms A818P.
Identifiers: ClinVar variation 525241 (VCV000525241.9), dbSNP rs1554316504, ClinGen allele CA366942737.

ClinVar aggregate classification (germline): Uncertain significance (1 of 4 stars; one submission).

Conditions:
Primary ciliary dyskinesia. Also called: Ciliary dyskinesia. Identifiers: Orphanet 244, MedGen C0008780, MONDO:0016575, HP:0012265.

Submission:

Labcorp Genetics (formerly Invitae), Labcorp
Classification: Uncertain significance for Primary ciliary dyskinesia. Last evaluated: 2017-10-18. Review status: criteria provided, single submitter. Criteria: Invitae Variant Classification Sherloc (09022015). Collection method: clinical testing. Allele origin: germline.
Comment: This variant has not been reported in the literature in individuals with DNAH11-related disease. This variant is not present in population databases (ExAC no frequency). This sequence change replaces alanine with proline at codon 818 of the DNAH11 protein (p.Ala818Pro). The alanine residue is weakly conserved and there is a small physicochemical difference between alanine and proline. In summary, the available evidence is currently insufficient to determine the role of this variant in disease. Therefore, it has been classified as a Variant of Uncertain Significance. Algorithms developed to predict the effect of missense changes on protein structure and function (SIFT, PolyPhen-2, Align-GVGD) all suggest that this variant is likely to be tolerated, but these predictions have not been confirmed by published functional studies and their clinical significance is uncertain.